The following is an entry in ClinVar:

ClinVar aggregate classification (germline): Uncertain significance (1 of 4 stars; one submission).

Conditions:
Arrhythmogenic right ventricular dysplasia 8 (ARVD8). Also called: Arrhythmogenic Right Ventricular Dysplasia/Cardiomyopathy 8; ARRHYTHMOGENIC RIGHT VENTRICULAR DYSPLASIA, FAMILIAL, 8; ARRHYTHMOGENIC RIGHT VENTRICULAR CARDIOMYOPATHY 8. Identifiers: MedGen C1843896, MONDO:0011831, OMIM 607450.
Arrhythmogenic cardiomyopathy with wooly hair and keratoderma. Also called: Arrhythmogenic cardiomyopathy with woolly hair and keratoderma; PALMOPLANTAR KERATODERMA WITH LEFT VENTRICULAR CARDIOMYOPATHY AND WOOLLY HAIR; Carvajal syndrome; Dilated cardiomyopathy with woolly hair and keratoderma. Identifiers: Orphanet 65282, MedGen C1854063, MONDO:0011581, OMIM 605676.

Submission:

Labcorp Genetics (formerly Invitae), Labcorp
Classification: Uncertain significance for Arrhythmogenic cardiomyopathy with wooly hair and keratoderma; Arrhythmogenic right ventricular dysplasia 8. Last evaluated: 2025-07-01. Review status: criteria provided, single submitter. Criteria: Invitae Variant Classification Sherloc (09022015). Collection method: clinical testing. Allele origin: germline.
Comment: This sequence change replaces arginine, which is basic and polar, with cysteine, which is neutral and slightly polar, at codon 2385 of the DSP protein (p.Arg2385Cys). This variant is present in population databases (rs755395467, gnomAD 0.0009%). This missense change has been observed in individual(s) with DSP-related conditions (PMID: 36693943). An algorithm developed to predict the effect of missense changes on protein structure and function (PolyPhen-2) suggests that this variant is likely to be disruptive. In summary, the available evidence is currently insufficient to determine the role of this variant in disease. Therefore, it has been classified as a Variant of Uncertain Significance.

Literature cited by the submitters: PubMed 36693943.

NM_004415.4(DSP):c.7153C>T (p.Arg2385Cys)

Gene: DSP (desmoplakin; plus strand). Cytogenetic location: 6p24.3.
Variant type: single nucleotide variant.
Coding change: c.7153C>T on transcript NM_004415.4 (MANE Select); coding-DNA position 7153, C replaced by T.
Protein change: p.Arg2385Cys; replaces arginine 2385 with cysteine.
Molecular consequence: missense variant.
Genome position (GRCh38, 1-based): chr6:7,584,415, C>T. VCF-style: chr6-7584415-C-T. GRCh37 (hg19) VCF-style: chr6-7584648-C-T.
Other names: c.5356C>T, p.Arg1786Cys (NM_001008844.3); c.5824C>T, p.Arg1942Cys (NM_001319034.2); short protein forms R1786C, R1942C, R2385C.
Identifiers: ClinVar variation 4788568 (VCV004788568.1).